The following is an entry in ClinVar:

NM_001077418.3(TMEM231):c.777G>C (p.Gln259His)

Gene: TMEM231 (transmembrane protein 231; minus strand). Cytogenetic location: 16q23.1.
Variant type: single nucleotide variant.
Coding change: c.777G>C on transcript NM_001077418.3 (MANE Select); coding-DNA position 777, G replaced by C.
Protein change: p.Gln259His; replaces glutamine 259 with histidine.
Molecular consequence: missense variant. On other transcripts: non-coding transcript variant (1).
Genome position (GRCh38, 1-based): chr16:75,540,168, C>G on the plus strand (G>C on the coding strand, the complement: TMEM231 is on the minus strand). VCF-style: chr16-75540168-C-G. GRCh37 (hg19) VCF-style: chr16-75574066-C-G.
Other names: c.936G>C, p.Gln312His (NM_001077416.2); short protein forms Q312H, Q259H.
Identifiers: ClinVar variation 2153810 (VCV002153810.3), dbSNP rs758048238, ClinGen allele CA8176024.

ClinVar aggregate classification (germline): Uncertain significance. Review status: criteria provided, multiple submitters, no conflicts (2 of 4 stars). 2 submissions from 2 submitters: Uncertain significance (2). Last evaluated 2023-12-21.

Conditions:
Meckel syndrome, type 11 (MKS11). Identifiers: Orphanet 564, MedGen C3809352, MONDO:0014164, OMIM 615397.
Joubert syndrome 20 (JBTS20). Identifiers: Orphanet 475, MedGen C3554235, MONDO:0013994, OMIM 614970.

Allele frequency attached by ClinVar (database versions not stated): ExAC 0.00001; gnomAD 0.00001; TOPMed 0.00002; gnomAD exomes 0.00006.
gnomAD v4.1: 81 of 1,612,014 alleles (0.005%); highest among the groups gnomAD compares: Non-Finnish European, 0.0067%; no homozygotes.

Submissions (2):

Labcorp Genetics (formerly Invitae), Labcorp
Classification: Uncertain significance for Joubert syndrome 20; Meckel syndrome, type 11. Last evaluated: 2023-12-21. Review status: criteria provided, single submitter. Criteria: Invitae Variant Classification Sherloc (09022015). Collection method: clinical testing. Allele origin: germline.
Comment: This sequence change replaces glutamine, which is neutral and polar, with histidine, which is basic and polar, at codon 312 of the TMEM231 protein (p.Gln312His). This variant is present in population databases (rs758048238, gnomAD 0.002%). This variant has not been reported in the literature in individuals affected with TMEM231-related conditions. ClinVar contains an entry for this variant (Variation ID: 2153810). Experimental studies and prediction algorithms are not available or were not evaluated, and the functional significance of this variant is currently unknown. Algorithms developed to predict the effect of sequence changes on RNA splicing suggest that this variant may create or strengthen a splice site. In summary, the available evidence is currently insufficient to determine the role of this variant in disease. Therefore, it has been classified as a Variant of Uncertain Significance.

Department of Pathology and Laboratory Medicine, Sinai Health System
Classification: Uncertain significance for Joubert syndrome 20; Meckel syndrome, type 11. Last evaluated: 2021-09-01. Review status: criteria provided, single submitter. Criteria: ACMG Guidelines, 2015. Collection method: research. Allele origin: germline.